The following is an entry in ClinVar:

ClinVar aggregate classification (germline): Uncertain significance (1 of 4 stars; one submission).

Submission:

GeneDx
Classification: Uncertain significance. Last evaluated: 2024-12-14. Review status: criteria provided, single submitter. Criteria: GeneDx Variant Classification Process June 2021. Collection method: clinical testing. Allele origin: germline. Affected: yes.
Comment: Not observed at significant frequency in large population cohorts (gnomAD); In silico analysis supports that this missense variant has a deleterious effect on protein structure/function; Has not been previously published as pathogenic or benign to our knowledge

NM_006662.3(SRCAP):c.308A>G (p.Glu103Gly)

Gene: SRCAP (Snf2 related CREBBP activator protein; plus strand). Cytogenetic location: 16p11.2.
Variant type: single nucleotide variant.
Coding change: c.308A>G on transcript NM_006662.3 (MANE Select); coding-DNA position 308, A replaced by G.
Protein change: p.Glu103Gly; replaces glutamic acid 103 with glycine.
Molecular consequence: missense variant.
Genome position (GRCh38, 1-based): chr16:30,707,184, A>G. VCF-style: chr16-30707184-A-G. GRCh37 (hg19) VCF-style: chr16-30718505-A-G.
Other names: short protein forms E103G.
Identifiers: ClinVar variation 3903127 (VCV003903127.1).
Genomic context (GRCh38, chr16:30,707,184, plus strand): 5'-TGGCAGTGAGATGGAGTGTGTGTTTAGAACTGTTGATTGATCTGGCTCTCCCTGATTAGG[A>G]GGCCGAGATCGAGACTCGGATTGCTGAGCTGCGGAAGGAGGGTTTCTGGTCACTGAAGAG-3'
Protein context (NP_006653.2, residues 93-113): HAEIAEQAKH[Glu103Gly]AEIETRIAEL